The following is an entry in ClinVar:

NM_002519.3(NPAT):c.3688C>G (p.Leu1230Val)

Gene: NPAT (nuclear protein, coactivator of histone transcription; minus strand). Cytogenetic location: 11q22.3.
Variant type: single nucleotide variant.
Coding change: c.3688C>G on transcript NM_002519.3 (MANE Select); coding-DNA position 3688, C replaced by G.
Protein change: p.Leu1230Val; replaces leucine 1230 with valine.
Molecular consequence: missense variant.
Genome position (GRCh38, 1-based): chr11:108,161,398, G>C on the plus strand (C>G on the coding strand, the complement: NPAT is on the minus strand). VCF-style: chr11-108161398-G-C. GRCh37 (hg19) VCF-style: chr11-108032125-G-C.
Other names: c.3709C>G, p.Leu1237Val (NM_001321307.1); short protein forms L1237V, L1230V.
Identifiers: ClinVar variation 2567996 (VCV002567996.2), dbSNP rs778785853, ClinGen allele CA382510267.
Genomic context (GRCh38, chr11:108,161,398, plus strand): 5'-TATCCTGTAACATTTCTGTGGTAATCAAAGAACTGGCGGATTTAGTTTGTTCTTGTTTTA[G>C]ATCCTTCACAGCTGTACCTACTGAAAGTACATTTTTATTGTTTGAAGATGTGCCTTGTTT-3'
Protein context (NP_002510.2, residues 1220-1240): VLSVGTAVKD[Leu1230Val]KQEQTKSASS

ClinVar aggregate classification (germline): Uncertain significance (1 of 4 stars; one submission).

Submission:

Ambry Genetics
Classification: Uncertain significance. Last evaluated: 2023-05-14. Review status: criteria provided, single submitter. Criteria: Ambry Variant Classification Scheme 2023. Collection method: clinical testing. Allele origin: germline.
Comment: The p.L1230V variant (also known as c.3688C>G), located in coding exon 17 of the NPAT gene, results from a C to G substitution at nucleotide position 3688. The leucine at codon 1230 is replaced by valine, an amino acid with highly similar properties. This amino acid position is conserved. In addition, this alteration is predicted to be tolerated by in silico analysis. Since supporting evidence is limited at this time, the clinical significance of this alteration remains unclear.